The following is an entry in ClinVar:

NC_000023.10:g.(?_107849932)_(107979574_?)del

Genes: COL4A5 (collagen type IV alpha 5 chain; plus strand), IRS4 (insulin receptor substrate 4; minus strand). Cytogenetic location: Xq22.3.
Variant type: Deletion.
Identifiers: ClinVar variation 1458304 (VCV001458304.6).

ClinVar aggregate classification (germline): Pathogenic (1 of 4 stars; one submission).

Submission:

Labcorp Genetics (formerly Invitae), Labcorp
Classification: Pathogenic. Last evaluated: 2021-06-06. Review status: criteria provided, single submitter. Criteria: Invitae Variant Classification Sherloc (09022015). Collection method: clinical testing. Allele origin: germline.
Comment: For these reasons, this variant has been classified as Pathogenic. This variant disrupts the triple helix domain of COL4A5. Glycine residues within the Gly-Xaa-Yaa repeats of the triple helix domain are required for the structure and stability of fibrillar collagens (PMID: 7695699, 8218237, 19344236). In COL4A5, missense variants at these glycine residues are significantly enriched in individuals with disease (PMID: 23720012, 27627812) compared to the general population (ExAC). This variant has not been reported in the literature in individuals with COL4A5-related conditions. This variant is a gross deletion of the genomic region encompassing exon(s) 29-51 of the COL4A5 gene. The 5' boundary is likely confined to intron 28. The 3' end of this event is unknown as it extends through the termination codon beyond the assayed region for this gene and may encompass additional genes. While this deletion is not anticipated to lead to nonsense mediated decay, it is expected to alter mRNA translation or result in a truncated protein product.

Literature cited by the submitters: PubMed 7695699; PubMed 8218237; PubMed 19344236; PubMed 23720012; PubMed 27627812.